The following is an entry in ClinVar:

ClinVar aggregate classification (germline): Uncertain significance (1 of 4 stars; one submission).

Allele frequency attached by ClinVar (database versions not stated): gnomAD 0.00001.

Submission:

Ambry Genetics
Classification: Uncertain significance. Last evaluated: 2023-09-05. Review status: criteria provided, single submitter. Criteria: Ambry Variant Classification Scheme 2023. Collection method: clinical testing. Allele origin: germline.
Comment: The p.S76N variant (also known as c.227G>A), located in coding exon 4 of the RAD54L gene, results from a G to A substitution at nucleotide position 227. The serine at codon 76 is replaced by asparagine, an amino acid with highly similar properties. This amino acid position is conserved. In addition, this alteration is predicted to be tolerated by in silico analysis. Since supporting evidence is limited at this time, the clinical significance of this alteration remains unclear.

NM_003579.4(RAD54L):c.227G>A (p.Ser76Asn)

Gene: RAD54L (RAD54 like; plus strand). Cytogenetic location: 1p34.1.
Variant type: single nucleotide variant.
Coding change: c.227G>A on transcript NM_003579.4 (MANE Select); coding-DNA position 227, G replaced by A.
Protein change: p.Ser76Asn; replaces serine 76 with asparagine.
Molecular consequence: missense variant. On other transcripts: 5 prime UTR variant (1).
Genome position (GRCh38, 1-based): chr1:46,258,702, G>A. VCF-style: chr1-46258702-G-A. GRCh37 (hg19) VCF-style: chr1-46724374-G-A.
Other names: c.227G>A, p.Ser76Asn (NM_001142548.2); c.-314G>A (NM_001370766.1); short protein forms S76N.
Identifiers: ClinVar variation 2619960 (VCV002619960.2), dbSNP rs769566923, ClinGen allele CA340180457.